The following is an entry in ClinVar:

NM_001148.6(ANK2):c.3970G>C (p.Val1324Leu)

Gene: ANK2 (ankyrin 2; plus strand). Cytogenetic location: 4q26.
Variant type: single nucleotide variant.
Coding change: c.3970G>C on transcript NM_001148.6 (MANE Select); coding-DNA position 3970, G replaced by C.
Protein change: p.Val1324Leu; replaces valine 1324 with leucine.
Molecular consequence: missense variant.
Genome position (GRCh38, 1-based): chr4:113,341,764, G>C. VCF-style: chr4-113341764-G-C. GRCh37 (hg19) VCF-style: chr4-114262920-G-C.
Other names: c.4015G>C, p.Val1339Leu (NM_001354240.2, NM_001354241.2, NM_001386144.1); c.4012G>C, p.Val1338Leu (NM_001354242.2, NM_001354231.2); c.3907G>C, p.Val1303Leu (NM_001354243.2, NM_001354255.2, NM_001386143.1); c.3904G>C, p.Val1302Leu (NM_001354244.2, NM_001354256.2, NM_001386161.1); c.3808G>C, p.Val1270Leu (NM_001354245.2, NM_001354262.2, NM_001354275.2); c.3967G>C, p.Val1323Leu (NM_001354246.2, NM_001354265.2, NM_001354235.2); c.3784G>C, p.Val1262Leu (NM_001354249.2, NM_001354266.2, NM_001354267.2 and 6 more transcripts); c.3940G>C, p.Val1314Leu (NM_001354252.2, NM_001354239.2); and 31 more; short protein forms V1163L, V124L, V1270L, V1303L, V1317L, V1323L, V1324L, V1363L.
Identifiers: ClinVar variation 2565323 (VCV002565323.2), dbSNP rs1261943601, ClinGen allele CA357909345.

ClinVar aggregate classification (germline): Uncertain significance (1 of 4 stars; one submission).

Conditions:
Cardiovascular phenotype. Identifiers: MedGen CN230736.

Submission:

Ambry Genetics
Classification: Uncertain significance for Cardiovascular phenotype. Last evaluated: 2023-05-30. Review status: criteria provided, single submitter. Criteria: Ambry Variant Classification Scheme 2023. Collection method: clinical testing. Allele origin: germline.
Comment: The p.V1324L variant (also known as c.3970G>C), located in coding exon 33 of the ANK2 gene, results from a G to C substitution at nucleotide position 3970. The valine at codon 1324 is replaced by leucine, an amino acid with highly similar properties. This amino acid position is conserved. In addition, this alteration is predicted to be deleterious by in silico analysis. Since supporting evidence is limited at this time, the clinical significance of this alteration remains unclear.